The following is an entry in ClinVar:

NM_004360.5(CDH1):c.1350_1362del (p.Gln449_Tyr450insTer)

Gene: CDH1 (cadherin 1; plus strand). Cytogenetic location: 16q22.1.
Variant type: Deletion.
Coding change: c.1350_1362del on transcript NM_004360.5 (MANE Select); coding-DNA positions 1350 to 1362, 13 bases deleted (CATTCTACACGTA).
Protein change: p.Gln449_Tyr450insTer.
Molecular consequence: nonsense. On other transcripts: 5 prime UTR variant (2).
Genome position (GRCh38, 1-based): chr16:68,815,544-68,815,556, CATTCTACACGTA deleted; deleting any 13 consecutive bases within chr16:68,815,541-68,815,556 gives the same sequence; the c. name uses the placement nearest the transcript's 3' end. VCF-style (leftmost placement, unchanged base first): chr16-68815540-AGTACATTCTACAC-A. GRCh37 (hg19) VCF-style: chr16-68849443-AGTACATTCTACAC-A.
Other names: c.1167_1179del, p.Gln388_Tyr389insTer (NM_001317184.2); c.-199_-187del (NM_001317185.2); c.-470_-458del (NM_001317186.2).
Identifiers: ClinVar variation 1378198 (VCV001378198.6), dbSNP rs2152134718, ClinGen allele CA2573152581.

ClinVar aggregate classification (germline): Pathogenic (1 of 4 stars; one submission).

Conditions:
Hereditary diffuse gastric adenocarcinoma (HDGC). Also called: DIFFUSE GASTRIC AND LOBULAR BREAST CANCER SYNDROME. Identifiers: Orphanet 26106, MedGen C1708349, MONDO:0007648, OMIM 137215.

Submission:

Labcorp Genetics (formerly Invitae), Labcorp
Classification: Pathogenic for Hereditary diffuse gastric adenocarcinoma. Last evaluated: 2022-10-17. Review status: criteria provided, single submitter. Criteria: Invitae Variant Classification Sherloc (09022015). Collection method: clinical testing. Allele origin: germline.
Comment: This sequence change creates a premature translational stop signal (p.Tyr450*) in the CDH1 gene. It is expected to result in an absent or disrupted protein product. Loss-of-function variants in CDH1 are known to be pathogenic (PMID: 15235021, 20373070). This variant is not present in population databases (gnomAD no frequency). This variant has not been reported in the literature in individuals affected with CDH1-related conditions. ClinVar contains an entry for this variant (Variation ID: 1378198). For these reasons, this variant has been classified as Pathogenic.

Literature cited by the submitters: PubMed 15235021; PubMed 20373070.